The following is an entry in ClinVar:

NM_000359.3(TGM1):c.196_197insGT (p.Ser66fs)

Gene: TGM1 (transglutaminase 1; minus strand). Cytogenetic location: 14q12.
Variant type: Insertion.
Coding change: c.196_197insGT on transcript NM_000359.3 (MANE Select); coding-DNA positions 196 to 197, GT inserted.
Protein change: p.Ser66fs; shifts the reading frame from serine 66.
Molecular consequence: frameshift variant.
Genome position: GRCh38 VCF-style: chr14-24262156-G-GAC. GRCh37 (hg19) VCF-style: chr14-24731362-G-GAC.
Other names: short protein forms S66fs.
Identifiers: ClinVar variation 1452303 (VCV001452303.6), dbSNP rs2139028390, ClinGen allele CA2573149803.

ClinVar aggregate classification (germline): Pathogenic (1 of 4 stars; one submission).

Submission:

Labcorp Genetics (formerly Invitae), Labcorp
Classification: Pathogenic. Last evaluated: 2021-12-01. Review status: criteria provided, single submitter. Criteria: Invitae Variant Classification Sherloc (09022015). Collection method: clinical testing. Allele origin: germline.
Comment: This sequence change creates a premature translational stop signal (p.Ser66Cysfs*46) in the TGM1 gene. It is expected to result in an absent or disrupted protein product. Loss-of-function variants in TGM1 are known to be pathogenic (PMID: 18948357, 19241467). This variant is not present in population databases (gnomAD no frequency). This variant has not been reported in the literature in individuals affected with TGM1-related conditions. For these reasons, this variant has been classified as Pathogenic.

Literature cited by the submitters: PubMed 18948357; PubMed 19241467.